The following is an entry in ClinVar:

ClinVar aggregate classification (germline): Likely benign. Review status: criteria provided, multiple submitters, no conflicts (2 of 4 stars). 6 submissions from 5 submitters: Likely benign (6). Last evaluated 2026-01-25.

Conditions:
Otospondylomegaepiphyseal dysplasia, autosomal recessive (OSMEDB). Also called: Insley-Astley syndrome; CHONDRODYSTROPHY WITH SENSORINEURAL DEAFNESS. Identifiers: Orphanet 1427, MedGen CN034493, MONDO:0044206, OMIM 215150.
Fibrochondrogenesis 2 (FBCG2). Identifiers: Orphanet 2021, MedGen C3281128, MONDO:0013795, OMIM 614524.

Allele frequency attached by ClinVar (database versions not stated): TOPMed 0.00008; gnomAD 0.00010; gnomAD exomes 0.00015 and 0.00017; ExAC 0.00021; 1000 Genomes Project 30x 0.00031; 1000 Genomes Project 0.00040.
gnomAD v4.1: 243 of 1,611,988 alleles (0.015%); highest among the groups gnomAD compares: East Asian, 0.19%; no homozygotes.

Submissions (6):

Labcorp Genetics (formerly Invitae), Labcorp
Classification: Likely benign. Last evaluated: 2026-01-25. Review status: criteria provided, single submitter. Criteria: Invitae Variant Classification Sherloc (09022015). Collection method: clinical testing. Allele origin: germline.

CeGaT Center for Human Genetics Tuebingen
Classification: Likely benign. Last evaluated: 2025-08-01. Review status: criteria provided, single submitter. Criteria: CeGaT Center For Human Genetics Tuebingen Variant Classification Criteria Version 2. Collection method: clinical testing. Allele origin: germline. Affected: yes. Observed: 2 variant alleles.
Comment: COL11A2: BP4, BP7

Blueprint Genetics
Classification: Likely benign. Last evaluated: 2024-09-12. Review status: criteria provided, single submitter. Criteria: ACMG Guidelines, 2015. Collection method: clinical testing. Allele origin: germline.

GeneDx
Classification: Likely benign. Last evaluated: 2020-03-11. Review status: criteria provided, single submitter. Criteria: GeneDx Variant Classification Process June 2021. Collection method: clinical testing. Allele origin: germline. Affected: yes.

Illumina Laboratory Services, Illumina
Classification: Likely benign for Fibrochondrogenesis 2. Last evaluated: 2017-04-27. Review status: criteria provided, single submitter. Criteria: ICSL Variant Classification Criteria 13 December 2019. Collection method: clinical testing. Allele origin: germline.
Comment: This variant was observed as part of a predisposition screen in an ostensibly healthy population. A literature search was performed for the gene, cDNA change, and amino acid change (where applicable). No publications were found based on this search. Allele frequency data from public databases allowed determination this variant is unlikely to cause disease. Therefore, this variant is classified as likely benign.

Illumina Laboratory Services, Illumina
Classification: Likely benign for Otospondylomegaepiphyseal dysplasia, autosomal recessive. Last evaluated: 2017-04-27. Review status: criteria provided, single submitter. Criteria: ICSL Variant Classification Criteria 13 December 2019. Collection method: clinical testing. Allele origin: germline.
Comment: the same text as in the submission from Illumina Laboratory Services, Illumina above.

NM_080680.3(COL11A2):c.4080G>A (p.Gly1360=)

Gene: COL11A2 (collagen type XI alpha 2 chain; minus strand). Cytogenetic location: 6p21.32.
Variant type: single nucleotide variant.
Coding change: c.4080G>A on transcript NM_080680.3 (MANE Select); coding-DNA position 4080, G replaced by A.
Protein change: p.Gly1360=; no amino-acid change (glycine 1360 retained).
Molecular consequence: synonymous variant.
Genome position (GRCh38, 1-based): chr6:33,167,468, C>T on the plus strand (G>A on the coding strand, the complement: COL11A2 is on the minus strand). VCF-style: chr6-33167468-C-T. GRCh37 (hg19) VCF-style: chr6-33135245-C-T.
Other names: c.3759G>A, p.Gly1253= (NM_080679.3); c.3822G>A, p.Gly1274= (NM_080681.3).
Identifiers: ClinVar variation 356386 (VCV000356386.25), dbSNP rs537455619, ClinGen allele CA3750233.